The following is an entry in ClinVar:

NM_080605.4(B3GALT6):c.201_210del (p.Arg68fs)

Gene: B3GALT6 (beta-1,3-galactosyltransferase 6; plus strand). Cytogenetic location: 1p36.33.
Variant type: Deletion.
Coding change: c.201_210del on transcript NM_080605.4 (MANE Select); coding-DNA positions 201 to 210, 10 bases deleted (CCGCGCCGCC; older notation c.201_210delCCGCGCCGCC).
Protein change: p.Arg68fs; shifts the reading frame from arginine 68.
Molecular consequence: frameshift variant.
Genome position (GRCh38, 1-based): chr1:1,232,479-1,232,488, CCGCGCCGCC deleted; deleting any 10 consecutive bases within chr1:1,232,475-1,232,488 gives the same sequence; the c. name uses the placement nearest the transcript's 3' end. VCF-style (leftmost placement, unchanged base first): chr1-1232474-GCGCCCCGCGC-G. GRCh37 (hg19) VCF-style: chr1-1167854-GCGCCCCGCGC-G.
Other names: short protein forms R68fs.
Identifiers: ClinVar variation 1323967 (VCV001323967.7), dbSNP rs2100993446, ClinGen allele CA2573051355.

ClinVar aggregate classification (germline): Conflicting classifications of pathogenicity. Review status: criteria provided, conflicting classifications (1 of 4 stars). 2 submissions from 2 submitters: Likely pathogenic (1); Uncertain significance (1). Last evaluated 2023-06-27.

Conditions:
Ehlers-Danlos syndrome, spondylodysplastic type, 2 (EDSSPD2). Also called: Ehlers-Danlos syndrome, progeroid type, 2. Identifiers: Orphanet 536467, Orphanet 75496, MedGen C3809210, MONDO:0014139, OMIM 615349.
Spondyloepimetaphyseal dysplasia with joint laxity (SEMDJL). Identifiers: MedGen C0432243, MONDO:0019675.

Submissions (2):

Labcorp Genetics (formerly Invitae), Labcorp
Classification: Uncertain significance for Ehlers-Danlos syndrome, spondylodysplastic type, 2; Spondyloepimetaphyseal dysplasia with joint laxity. Last evaluated: 2023-06-27. Review status: criteria provided, single submitter. Criteria: Invitae Variant Classification Sherloc (09022015). Collection method: clinical testing. Allele origin: germline.
Comment: In summary, the available evidence is currently insufficient to determine the role of this variant in disease. Therefore, it has been classified as a Variant of Uncertain Significance. Experimental studies and prediction algorithms are not available or were not evaluated, and the functional significance of this variant is currently unknown. ClinVar contains an entry for this variant (Variation ID: 1323967). This variant has not been reported in the literature in individuals affected with B3GALT6-related conditions. The frequency data for this variant in the population databases is considered unreliable, as metrics indicate insufficient coverage at this position in the gnomAD database. This sequence change creates a premature translational stop signal (p.Arg68Serfs*5) in the B3GALT6 gene. While this is not anticipated to result in nonsense mediated decay, it is expected to disrupt the last 262 amino acid(s) of the B3GALT6 protein.

Revvity Omics, Revvity
Classification: Likely pathogenic. Last evaluated: 2020-06-23. Review status: criteria provided, single submitter. Criteria: ACMG Guidelines, 2015. Collection method: clinical testing. Allele origin: germline.